The following is an entry in ClinVar:

NM_000179.3(MSH6):c.3951T>A (p.His1317Gln)

Gene: MSH6 (mutS homolog 6; plus strand). Cytogenetic location: 2p16.3.
Variant type: single nucleotide variant.
Coding change: c.3951T>A on transcript NM_000179.3 (MANE Select); coding-DNA position 3951, T replaced by A.
Protein change: p.His1317Gln; replaces histidine 1317 with glutamine.
Molecular consequence: missense variant.
Genome position (GRCh38, 1-based): chr2:47,806,601, T>A. VCF-style: chr2-47806601-T-A. GRCh37 (hg19) VCF-style: chr2-48033740-T-A.
Other names: c.3561T>A, p.His1187Gln (NM_001281492.2); c.3045T>A, p.His1015Gln (NM_001281493.2, NM_001281494.2); short protein forms H1015Q, H1187Q, H1317Q.
Identifiers: ClinVar variation 1062692 (VCV001062692.13), dbSNP rs764786814, ClinGen allele CA346761524.

ClinVar aggregate classification (germline): Uncertain significance. Review status: criteria provided, multiple submitters, no conflicts (2 of 4 stars). 5 submissions from 5 submitters: Uncertain significance (5). Last evaluated 2026-08-27.

Conditions:
Hereditary nonpolyposis colorectal neoplasms. Identifiers: MedGen C0009405, MeSH D003123.
Hereditary cancer-predisposing syndrome. Also called: Tumor predisposition; Hereditary Cancer Syndrome; Hereditary neoplastic syndrome; Neoplastic Syndromes, Hereditary. Identifiers: Orphanet 140162, MedGen C0027672, MeSH D009386, MONDO:0015356.

gnomAD v4.1: 1 of 1,613,250 alleles (0.000062%); highest among the groups gnomAD compares: Admixed American, 0.0017%; no homozygotes.

Submissions (5):

Ambry Genetics
Classification: Uncertain significance for Hereditary cancer-predisposing syndrome. Last evaluated: 2026-08-27. Review status: criteria provided, single submitter. Criteria: Ambry Variant Classification Scheme 2023. Collection method: clinical testing. Allele origin: germline.
Comment: The p.H1317Q variant (also known as c.3951T>A), located in coding exon 9 of the MSH6 gene, results from a T to A substitution at nucleotide position 3951. The histidine at codon 1317 is replaced by glutamine, an amino acid with highly similar properties. This amino acid position is highly conserved in available vertebrate species. In addition, this alteration is predicted to be tolerated by in silico analysis. Based on the available evidence, the clinical significance of this variant remains unclear.

Color Diagnostics, LLC DBA Color Health
Classification: Uncertain significance for Hereditary cancer-predisposing syndrome. Last evaluated: 2024-03-26. Review status: criteria provided, single submitter. Criteria: ACMG Guidelines, 2015. Collection method: clinical testing. Allele origin: germline.
Comment: This missense variant replaces histidine with glutamine at codon 1317 of the MSH6 protein. Computational prediction suggests that this variant may not impact protein structure and function (internally defined REVEL score threshold <= 0.5, PMID: 27666373). To our knowledge, functional studies have not been reported for this variant. This variant has not been reported in individuals affected with MSH6-related disorders in the literature. This variant has not been identified in the general population by the Genome Aggregation Database (gnomAD). The available evidence is insufficient to determine the role of this variant in disease conclusively. Therefore, this variant is classified as a Variant of Uncertain Significance.

GeneDx
Classification: Uncertain significance. Last evaluated: 2024-02-23. Review status: criteria provided, single submitter. Criteria: GeneDx Variant Classification Process June 2021. Collection method: clinical testing. Allele origin: germline. Affected: yes.
Comment: Not observed at significant frequency in large population cohorts (gnomAD); In silico analysis supports that this missense variant does not alter protein structure/function; Observed in individuals with breast cancer (PMID: 33471991); This variant is associated with the following publications: (PMID: 17531815, 21120944, 12019211, 33471991)

Labcorp Genetics (formerly Invitae), Labcorp
Classification: Uncertain significance for Hereditary nonpolyposis colorectal neoplasms. Last evaluated: 2022-07-23. Review status: criteria provided, single submitter. Criteria: Invitae Variant Classification Sherloc (09022015). Collection method: clinical testing. Allele origin: germline.
Comment: In summary, the available evidence is currently insufficient to determine the role of this variant in disease. Therefore, it has been classified as a Variant of Uncertain Significance. Advanced modeling of protein sequence and biophysical properties (such as structural, functional, and spatial information, amino acid conservation, physicochemical variation, residue mobility, and thermodynamic stability) performed at Invitae indicates that this missense variant is not expected to disrupt MSH6 protein function. ClinVar contains an entry for this variant (Variation ID: 1062692). This variant has not been reported in the literature in individuals affected with MSH6-related conditions. This variant is not present in population databases (gnomAD no frequency). This sequence change replaces histidine, which is basic and polar, with glutamine, which is neutral and polar, at codon 1317 of the MSH6 protein (p.His1317Gln).

Sema4
Classification: Uncertain significance for Hereditary cancer-predisposing syndrome. Last evaluated: 2021-09-25. Review status: criteria provided, single submitter. Criteria: Sema4 Curation Guidelines. Collection method: curation. Allele origin: germline.
Comment: The MSH6 c.3951T>A (p.H1317Q) variant has been reported in 3/60466 breast cancer cases and 0/53461 healthy controls by a large case-control study (PMID: 33471991). It was not observed in the large and broad cohorts of the Genome Aggregation Database (PMID: 32461654). The variant has been reported in ClinVar (Variation ID 1062692). Functional studies have not been performed, and in silico predictions of the variant's effect on protein function are inconclusive. The evidence is insufficient to meet ACMG/AMP criteria for classifying the variant as benign or pathogenic. Thus, the clinical significance of this variant is currently uncertain.

Literature cited by the submitters: PubMed 33471991 (cited by Sema4).